The following is an entry in ClinVar:

ClinVar aggregate classification (germline): Uncertain significance (1 of 4 stars; one submission).

Conditions:
Alpha thalassemia-X-linked intellectual disability syndrome (ATRX). Also called: ATR-X syndrome; Alpha thalassemia mental retardation syndrome, nondeletion type, X-linked; XLMR hypotonic face syndrome; X-linked alpha-thalassemia-mental retardation syndrome; ALPHA-THALASSEMIA/IMPAIRED INTELLECTUAL DEVELOPMENT SYNDROME, X-LINKED; ALPHA-THALASSEMIA/MENTAL RETARDATION SYNDROME, X-LINKED. Identifiers: Orphanet 847, MedGen C1845055, MONDO:0010519, OMIM 301040.

Submission:

Labcorp Genetics (formerly Invitae), Labcorp
Classification: Uncertain significance for Alpha thalassemia-X-linked intellectual disability syndrome. Last evaluated: 2021-08-22. Review status: criteria provided, single submitter. Criteria: Invitae Variant Classification Sherloc (09022015). Collection method: clinical testing. Allele origin: germline.
Comment: A copy number gain of the genomic region encompassing the full coding sequence of the ATRX gene has been identified. The boundaries of this event are unknown as they extend beyond the assayed region for this gene and therefore may encompass additional genes. As the precise location of this event is unknown, it may be in tandem or it may be located elsewhere in the genome. Isolated whole-gene copy number gains of ATRX have not been reported in the literature. However, larger copy number events that include this gene have been reported (PMID: 19291773, 20655035, 22129561, 22659343, 22796527). In summary, the available evidence is currently insufficient to determine the role of this variant in disease. Therefore, it has been classified as a Variant of Uncertain Significance.

Literature cited by the submitters: PubMed 19291773; PubMed 20655035; PubMed 22129561; PubMed 22659343; PubMed 22796527.

NC_000023.10:g.(?_76763809)_(77041507_?)dup

Gene: ATRX (ATRX chromatin remodeler; minus strand). Cytogenetic location: Xq21.1.
Variant type: Duplication.
Identifiers: ClinVar variation 1409691 (VCV001409691.1).